The following is an entry in ClinVar:

ClinVar aggregate classification (germline): Conflicting classifications of pathogenicity. Review status: criteria provided, conflicting classifications (1 of 4 stars). 2 submissions from 2 submitters: Uncertain significance (1); Likely benign (1). Last evaluated 2018-01-13.

Conditions:
Diabetic retinopathy. Identifiers: MedGen C0011884, MONDO:0005266.
Loeys-Dietz syndrome 2 (LDS2). Also called: AORTIC ANEURYSM, FAMILIAL THORACIC 3; MARFAN SYNDROME, TYPE II; MFS 2; Marfan Syndrome type 2; Marfan like connective tissue disorder; TGFBR2-Related Loeys-Dietz Syndrome. Identifiers: Orphanet 284973, Orphanet 558, MedGen C2674574, MONDO:0012427, OMIM 610168.

Allele frequency attached by ClinVar (database versions not stated): TOPMed 0.00010.
gnomAD v4.1: 93 of 695,494 alleles (0.013%); highest among the groups gnomAD compares: Non-Finnish European, 0.018%; 1 homozygote.

Submissions (2):

Illumina Laboratory Services, Illumina
Classification: Uncertain significance for Loeys-Dietz syndrome 2. Last evaluated: 2018-01-13. Review status: criteria provided, single submitter. Criteria: ICSL Variant Classification Criteria 13 December 2019. Collection method: clinical testing. Allele origin: germline.

Clinical Genomics, Uppaluri K&H Personalized Medicine Clinic
Classification: Likely benign for Diabetic retinopathy. Review status: criteria provided, single submitter. Criteria: K And H Uppaluri Personalized Medicine Clinic Variant Classification And Assertion Criteria Updated V 2. Collection method: research. Allele origin: unknown.
Comment: Potent mutations in TGFBR2 gene encodes the transforming growth factor that have been associated with angiogenesis and diabetic retinopathy. More clinical studies are needed for stronger association. However, more evidence is required to confer the association of this particular variant rs1040386724 with diabetic retinopathy.

Literature cited by the submitters: PubMed 30222965 (cited by Clinical Genomics, Uppaluri K&H Personalized Medicine Clinic); PubMed 28162229 (cited by Clinical Genomics, Uppaluri K&H Personalized Medicine Clinic); PubMed 34572573 (cited by Clinical Genomics, Uppaluri K&H Personalized Medicine Clinic).

NM_003242.6(TGFBR2):c.-122T>G

Genes: TGFBR2 (transforming growth factor beta receptor 2; plus strand), LOC129936399 (ATAC-STARR-seq lymphoblastoid silent region 14158; plus strand). Cytogenetic location: 3p24.1.
Variant type: single nucleotide variant.
Coding change: c.-122T>G on transcript NM_003242.6 (MANE Select); 122 bases upstream of the start codon, T replaced by G.
Molecular consequence: 5 prime UTR variant.
Genome position (GRCh38, 1-based): chr3:30,606,762, T>G. VCF-style: chr3-30606762-T-G. GRCh37 (hg19) VCF-style: chr3-30648254-T-G.
Other names: c.-122T>G (NM_001024847.3, NM_001407126.1, NM_001407127.1 and 4 more transcripts); c.-405T>G (NM_001407133.1); c.-283T>G (NM_001407134.1); c.-330T>G (NM_001407135.1); c.-415T>G (NM_001407136.1).
Identifiers: ClinVar variation 901873 (VCV000901873.6), dbSNP rs1040386724, ClinGen allele CA72289946.